The following is an entry in ClinVar:

ClinVar aggregate classification (germline): Likely benign. Review status: criteria provided, multiple submitters, no conflicts (2 of 4 stars). 3 submissions from 3 submitters: Likely benign (3). Last evaluated 2024-12-16.

Conditions:
SCLT1-related disorder. Also called: SCLT1-related condition.

Allele frequency attached by ClinVar (database versions not stated): ExAC 0.00001; gnomAD exomes 0.00001 and 0.00004; TOPMed 0.00002; 1000 Genomes Project 30x 0.00016; 1000 Genomes Project 0.00020; gnomAD 0.00003 and 0.00004.

Submissions (3):

Labcorp Genetics (formerly Invitae), Labcorp
Classification: Likely benign. Last evaluated: 2024-12-16. Review status: criteria provided, single submitter. Criteria: Invitae Variant Classification Sherloc (09022015). Collection method: clinical testing. Allele origin: germline.

PreventionGenetics, part of Exact Sciences
Classification: Likely benign for SCLT1-related condition. Last evaluated: 2024-11-10. Review status: criteria provided, single submitter. Criteria: ACMG Guidelines, 2015. Collection method: clinical testing. Allele origin: germline.
Comment: This variant is classified as likely benign based on ACMG/AMP sequence variant interpretation guidelines (Richards et al. 2015 PMID: 25741868, with internal and published modifications).

Blueprint Genetics
Classification: Likely benign. Last evaluated: 2023-02-10. Review status: criteria provided, single submitter. Criteria: ACMG Guidelines, 2015. Collection method: clinical testing. Allele origin: germline.

NM_144643.4(SCLT1):c.993A>G (p.Val331=)

Gene: SCLT1 (sodium channel and clathrin linker 1; minus strand). Cytogenetic location: 4q28.2.
Variant type: single nucleotide variant.
Coding change: c.993A>G on transcript NM_144643.4 (MANE Select); coding-DNA position 993, A replaced by G.
Protein change: p.Val331=; no amino-acid change (valine 331 retained).
Molecular consequence: synonymous variant.
Genome position (GRCh38, 1-based): chr4:128,959,654, T>C on the plus strand (A>G on the coding strand, the complement: SCLT1 is on the minus strand). VCF-style: chr4-128959654-T-C. GRCh37 (hg19) VCF-style: chr4-129880809-T-C.
Other names: c.993A>G (NM_144643.3).
Identifiers: ClinVar variation 1662609 (VCV001662609.10), dbSNP rs199684444, ClinGen allele CA3079770.